The following is an entry in ClinVar:

NM_000051.4(ATM):c.8258G>T (p.Cys2753Phe)

Genes: ATM (ATM serine/threonine kinase; plus strand), C11orf65 (chromosome 11 open reading frame 65; minus strand). Cytogenetic location: 11q22.3.
Variant type: single nucleotide variant.
Coding change: c.8258G>T on transcript NM_000051.4 (MANE Select); coding-DNA position 8258, G replaced by T.
Protein change: p.Cys2753Phe; replaces cysteine 2753 with phenylalanine.
Molecular consequence: missense variant. On other transcripts: intron variant (2).
Genome position (GRCh38, 1-based): chr11:108,335,951, G>T. VCF-style: chr11-108335951-G-T. GRCh37 (hg19) VCF-style: chr11-108206678-G-T.
Other names: c.8258G>T, p.Cys2753Phe (NM_001351834.2); c.641-26880C>A (NM_001330368.2); c.695-659C>A (NM_001351110.2); short protein forms C2753F.
Identifiers: ClinVar variation 581931 (VCV000581931.17), dbSNP rs1284049490, ClinGen allele CA382562685.

ClinVar aggregate classification (germline): Uncertain significance. Review status: criteria provided, multiple submitters, no conflicts (2 of 4 stars). 4 submissions from 4 submitters: Uncertain significance (4). Last evaluated 2024-10-30.

Conditions:
Hereditary cancer-predisposing syndrome. Also called: Hereditary Cancer Syndrome; Neoplastic Syndromes, Hereditary; Tumor predisposition; Hereditary neoplastic syndrome. Identifiers: Orphanet 140162, MedGen C0027672, MeSH D009386, MONDO:0015356.
Familial cancer of breast. Also called: BREAST CANCER, FAMILIAL; Hereditary breast cancer; hereditary breast carcinoma. Identifiers: Orphanet 227535, MedGen C0346153, MONDO:0016419, OMIM 114480. Disease mechanism: loss of function.
Ataxia-telangiectasia syndrome (AT). Also called: Cerebello-oculocutaneous telangiectasia; Immunodeficiency with ataxia telangiectasia; Ataxia-telangiectasia, complementation group E; Ataxia-telangiectasia, complementation group D; AT, COMPLEMENTATION GROUP C; ATAXIA-TELANGIECTASIA, COMPLEMENTATION GROUP A. Identifiers: Orphanet 100, MedGen C0004135, MONDO:0008840, OMIM 208900.

Allele frequency attached by ClinVar (database versions not stated): gnomAD exomes below 0.00001.
gnomAD v4.1: 4 of 1,606,960 alleles (0.00025%); highest among the groups gnomAD compares: Admixed American, 0.0017%; no homozygotes.

Submissions (4):

Labcorp Genetics (formerly Invitae), Labcorp
Classification: Uncertain significance for Ataxia-telangiectasia syndrome. Last evaluated: 2024-10-30. Review status: criteria provided, single submitter. Criteria: Invitae Variant Classification Sherloc (09022015). Collection method: clinical testing. Allele origin: germline.
Comment: This sequence change replaces cysteine, which is neutral and slightly polar, with phenylalanine, which is neutral and non-polar, at codon 2753 of the ATM protein (p.Cys2753Phe). This variant is present in population databases (no rsID available, gnomAD 0.003%). This variant has not been reported in the literature in individuals affected with ATM-related conditions. ClinVar contains an entry for this variant (Variation ID: 581931). Invitae Evidence Modeling of protein sequence and biophysical properties (such as structural, functional, and spatial information, amino acid conservation, physicochemical variation, residue mobility, and thermodynamic stability) indicates that this missense variant is not expected to disrupt ATM protein function with a negative predictive value of 95%. In summary, the available evidence is currently insufficient to determine the role of this variant in disease. Therefore, it has been classified as a Variant of Uncertain Significance.

Color Diagnostics, LLC DBA Color Health
Classification: Uncertain significance for Hereditary cancer-predisposing syndrome. Last evaluated: 2023-12-04. Review status: criteria provided, single submitter. Criteria: ACMG Guidelines, 2015. Collection method: clinical testing. Allele origin: germline.
Comment: This missense variant replaces cysteine with phenylalanine at codon 2753 of the ATM protein. Computational prediction suggests that this variant may not impact protein structure and function (internally defined REVEL score threshold <= 0.5, PMID: 27666373). To our knowledge, functional studies have not been reported for this variant. This variant has not been reported in individuals affected with ATM-related disorders in the literature. This variant has been identified in 1/250814 chromosomes in the general population by the Genome Aggregation Database (gnomAD). The available evidence is insufficient to determine the role of this variant in disease conclusively. Therefore, this variant is classified as a Variant of Uncertain Significance.

Ambry Genetics
Classification: Uncertain significance for Hereditary cancer-predisposing syndrome. Last evaluated: 2023-08-30. Review status: criteria provided, single submitter. Criteria: Ambry Variant Classification Scheme 2023. Collection method: clinical testing. Allele origin: germline.
Comment: The p.C2753F variant (also known as c.8258G>T), located in coding exon 55 of the ATM gene, results from a G to T substitution at nucleotide position 8258. The cysteine at codon 2753 is replaced by phenylalanine, an amino acid with highly dissimilar properties. This amino acid position is not well conserved in available vertebrate species. In addition, this alteration is predicted to be tolerated by in silico analysis. Since supporting evidence is limited at this time, the clinical significance of this alteration remains unclear.

Baylor Genetics
Classification: Uncertain significance for Familial cancer of breast. Last evaluated: 2023-08-06. Review status: criteria provided, single submitter. Criteria: ACMG Guidelines, 2015. Collection method: clinical testing. Allele origin: unknown.